The following is an entry in ClinVar:

ClinVar aggregate classification (germline): Uncertain significance. Review status: criteria provided, multiple submitters, no conflicts (2 of 4 stars). 2 submissions from 2 submitters: Uncertain significance (2). Last evaluated 2022-02-21.

Conditions:
Inborn genetic diseases. Identifiers: MedGen C0950123, MeSH D030342.
Tall stature-scoliosis-macrodactyly of the great toes syndrome. Also called: Epiphyseal chondrodysplasia, miura type. Identifiers: Orphanet 329191, MedGen C4014690, MONDO:0014401, OMIM 615923.
Acromesomelic dysplasia 1, Maroteaux type (AMD1). Also called: ST. HELENA DYSPLASIA; ACROMESOMELIC DYSPLASIA 1. Identifiers: Orphanet 40, MedGen C1864356, MONDO:0011275, OMIM 602875.

Allele frequency attached by ClinVar (database versions not stated): gnomAD exomes below 0.00001; ExAC 0.00001; gnomAD 0.00002; TOPMed 0.00002.
gnomAD v4.1: 4 of 1,612,874 alleles (0.00025%); highest among the groups gnomAD compares: Non-Finnish European, 0.00034%; no homozygotes.

Submissions (2):

Labcorp Genetics (formerly Invitae), Labcorp
Classification: Uncertain significance for Tall stature-scoliosis-macrodactyly of the great toes syndrome; Acromesomelic dysplasia 1, Maroteaux type. Last evaluated: 2022-02-21. Review status: criteria provided, single submitter. Criteria: Invitae Variant Classification Sherloc (09022015). Collection method: clinical testing. Allele origin: germline.
Comment: This sequence change replaces glycine, which is neutral and non-polar, with alanine, which is neutral and non-polar, at codon 57 of the NPR2 protein (p.Gly57Ala). This variant is present in population databases (rs754690811, gnomAD 0.0009%). This variant has not been reported in the literature in individuals affected with NPR2-related conditions. Algorithms developed to predict the effect of missense changes on protein structure and function are either unavailable or do not agree on the potential impact of this missense change (SIFT: "Deleterious"; PolyPhen-2: "Benign"; Align-GVGD: "Class C0"). In summary, the available evidence is currently insufficient to determine the role of this variant in disease. Therefore, it has been classified as a Variant of Uncertain Significance.

Ambry Genetics
Classification: Uncertain significance for Inborn genetic diseases. Last evaluated: 2021-09-01. Review status: criteria provided, single submitter. Criteria: Ambry Variant Classification Scheme 2023. Collection method: clinical testing. Allele origin: germline.

NM_003995.4(NPR2):c.170G>C (p.Gly57Ala)

Gene: NPR2 (natriuretic peptide receptor 2; plus strand). Cytogenetic location: 9p13.3.
Variant type: single nucleotide variant.
Coding change: c.170G>C on transcript NM_003995.4 (MANE Select); coding-DNA position 170, G replaced by C.
Protein change: p.Gly57Ala; replaces glycine 57 with alanine.
Molecular consequence: missense variant.
Genome position (GRCh38, 1-based): chr9:35,792,578, G>C. VCF-style: chr9-35792578-G-C. GRCh37 (hg19) VCF-style: chr9-35792575-G-C.
Other names: c.170G>C, p.Gly57Ala (NM_001378923.1); short protein forms G57A.
Identifiers: ClinVar variation 1986963 (VCV001986963.5), dbSNP rs754690811, ClinGen allele CA5051409.